The following is an entry in ClinVar:

NM_001429.4(EP300):c.2683C>G (p.Gln895Glu)

Gene: EP300 (EP300 lysine acetyltransferase; plus strand). Cytogenetic location: 22q13.2.
Variant type: single nucleotide variant.
Coding change: c.2683C>G on transcript NM_001429.4 (MANE Select); coding-DNA position 2683, C replaced by G.
Protein change: p.Gln895Glu; replaces glutamine 895 with glutamic acid.
Molecular consequence: missense variant.
Genome position (GRCh38, 1-based): chr22:41,150,064, C>G. VCF-style: chr22-41150064-C-G. GRCh37 (hg19) VCF-style: chr22-41546068-C-G.
Other names: c.2605C>G, p.Gln869Glu (NM_001362843.2); short protein forms Q869E, Q895E.
Identifiers: ClinVar variation 4985558 (VCV004985558.1).

ClinVar aggregate classification (germline): Uncertain significance (1 of 4 stars; one submission).

Conditions:
EP300-related disorder. Also called: EP300-related condition; EP300-related disorders.

Submission:

PreventionGenetics, part of Exact Sciences
Classification: Uncertain significance for EP300-related condition. Last evaluated: 2024-11-02. Review status: criteria provided, single submitter. Criteria: ACMG Guidelines, 2015. Collection method: clinical testing. Allele origin: germline.
Comment: The EP300 c.2683C>G variant is predicted to result in the amino acid substitution p.Gln895Glu. To our knowledge, this variant has not been reported in the literature or in a large population database (gnomAD), indicating this variant is rare. At this time, the clinical significance of this variant is uncertain due to the absence of conclusive functional and genetic evidence.